The following is an entry in ClinVar:

ClinVar aggregate classification (germline): Conflicting classifications of pathogenicity. Review status: criteria provided, conflicting classifications (1 of 4 stars). 2 submissions from 2 submitters: Likely pathogenic (1); Uncertain significance (1). Last evaluated 2025-03-14.

Conditions:
Inborn genetic diseases. Identifiers: MedGen C0950123, MeSH D030342.

Allele frequency attached by ClinVar (database versions not stated): gnomAD exomes below 0.00001.
gnomAD v4.1: 1 of 1,613,084 alleles (0.000062%); highest among the groups gnomAD compares: Non-Finnish European, 0.000085%; no homozygotes.

Submissions (2):

Ambry Genetics
Classification: Likely pathogenic for Inborn genetic diseases. Last evaluated: 2025-03-14. Review status: criteria provided, single submitter. Criteria: Ambry Variant Classification Scheme 2023. Collection method: clinical testing. Allele origin: germline.
Comment: The c.2807-8A>G intronic alteration results from an A to G substitution eight nucleotides before coding exon 25 of the RAB3GAP2 gene. This variant was not reported in population-based cohorts in the Genome Aggregation Database (gnomAD). This nucleotide position is not well conserved in available vertebrate species. RNA studies have demonstrated that this alteration results in abnormal splicing in the set of samples tested (Ambry internal data). In silico splice site analysis predicts that this alteration will weaken the native splice acceptor site and will result in the creation or strengthening of a novel splice acceptor site. Based on the available evidence, this alteration is classified as likely pathogenic.

GeneDx
Classification: Uncertain significance. Last evaluated: 2022-09-12. Review status: criteria provided, single submitter. Criteria: GeneDx Variant Classification Process June 2021. Collection method: clinical testing. Allele origin: germline. Affected: yes.
Comment: Not observed at significant frequency in large population cohorts (gnomAD); In silico analysis supports a deleterious effect on splicing; Has not been previously published as pathogenic or benign to our knowledge

NM_012414.4(RAB3GAP2):c.2807-8A>G

Gene: RAB3GAP2 (RAB3 GTPase activating non-catalytic protein subunit 2; minus strand). Cytogenetic location: 1q41.
Variant type: single nucleotide variant.
Coding change: c.2807-8A>G on transcript NM_012414.4 (MANE Select); 8 bases into the intron before coding-DNA position 2807, A replaced by G.
Molecular consequence: intron variant.
Genome position (GRCh38, 1-based): chr1:220,167,683, T>C on the plus strand (A>G on the coding strand, the complement: RAB3GAP2 is on the minus strand). VCF-style: chr1-220167683-T-C. GRCh37 (hg19) VCF-style: chr1-220341025-T-C.
Other names: c.2807-8A>G (NM_012414.3).
Identifiers: ClinVar variation 2443461 (VCV002443461.2), dbSNP rs777417935, ClinGen allele CA1222302265.